The following is an entry in ClinVar:

ClinVar aggregate classification (germline): Likely benign (1 of 4 stars; one submission).

Conditions:
DHX32-related condition.

gnomAD v4.1: 199 of 1,605,206 alleles (0.012%); highest among the groups gnomAD compares: Middle Eastern, 0.15%; 1 homozygote.

Submission:

PreventionGenetics, part of Exact Sciences
Classification: Likely benign for DHX32-related condition. Last evaluated: 2026-09-25. Review status: criteria provided, single submitter. Criteria: ACMG Guidelines, 2015. Collection method: clinical testing. Allele origin: germline.
Comment: This variant is classified as likely benign based on ACMG/AMP sequence variant interpretation guidelines (Richards et al. 2015 PMID: 25741868, with internal and published modifications).

NM_018180.3(DHX32):c.-8C>T

Gene: DHX32 (DEAH-box helicase 32 (putative); minus strand). Cytogenetic location: 10q26.2.
Variant type: single nucleotide variant.
Coding change: c.-8C>T on transcript NM_018180.3 (MANE Select); 8 bases upstream of the start codon, C replaced by T.
Molecular consequence: 5 prime UTR variant.
Genome position (GRCh38, 1-based): chr10:125,880,832, G>A on the plus strand (C>T on the coding strand, the complement: DHX32 is on the minus strand). VCF-style: chr10-125880832-G-A. GRCh37 (hg19) VCF-style: chr10-127569401-G-A.
Identifiers: ClinVar variation 4981106 (VCV004981106.1).